The following is an entry in ClinVar:

ClinVar aggregate classification (germline): Uncertain significance (1 of 4 stars; one submission).

Submission:

Labcorp Genetics (formerly Invitae), Labcorp
Classification: Uncertain significance. Last evaluated: 2022-12-10. Review status: criteria provided, single submitter. Criteria: Invitae Variant Classification Sherloc (09022015). Collection method: clinical testing. Allele origin: germline.
Comment: In summary, the available evidence is currently insufficient to determine the role of this variant in disease. Therefore, it has been classified as a Variant of Uncertain Significance. Advanced modeling of protein sequence and biophysical properties (such as structural, functional, and spatial information, amino acid conservation, physicochemical variation, residue mobility, and thermodynamic stability) performed at Invitae indicates that this missense variant is not expected to disrupt POLE protein function. ClinVar contains an entry for this variant (Variation ID: 850197). This variant has not been reported in the literature in individuals affected with POLE-related conditions. This variant is not present in population databases (gnomAD no frequency). This sequence change replaces aspartic acid, which is acidic and polar, with asparagine, which is neutral and polar, at codon 2134 of the POLE protein (p.Asp2134Asn).

NM_006231.4(POLE):c.6400G>A (p.Asp2134Asn)

Gene: POLE (DNA polymerase epsilon, catalytic subunit; minus strand). Cytogenetic location: 12q24.33.
Variant type: single nucleotide variant.
Coding change: c.6400G>A on transcript NM_006231.4 (MANE Select); coding-DNA position 6400, G replaced by A.
Protein change: p.Asp2134Asn; replaces aspartic acid 2134 with asparagine.
Molecular consequence: missense variant.
Genome position (GRCh38, 1-based): chr12:132,626,248, C>T on the plus strand (G>A on the coding strand, the complement: POLE is on the minus strand). VCF-style: chr12-132626248-C-T. GRCh37 (hg19) VCF-style: chr12-133202834-C-T.
Other names: short protein forms D2134N.
Identifiers: ClinVar variation 850197 (VCV000850197.10), dbSNP rs2041837576, ClinGen allele CA387367693.